The following is an entry in ClinVar:

NM_001164508.2(NEB):c.19836+1G>A

Gene: NEB (nebulin; minus strand). Cytogenetic location: 2q23.3.
Variant type: single nucleotide variant.
Coding change: c.19836+1G>A on transcript NM_001164508.2 (MANE Select); the canonical splice donor site of the intron after coding-DNA position 19836, G replaced by A.
Molecular consequence: splice donor variant.
Genome position (GRCh38, 1-based): chr2:151,552,671, C>T on the plus strand (G>A on the coding strand, the complement: NEB is on the minus strand). VCF-style: chr2-151552671-C-T. GRCh37 (hg19) VCF-style: chr2-152409185-C-T.
Other names: c.14733+1G>A (NM_004543.5); c.19836+1G>A (NM_001164507.2, NM_001271208.2).
Identifiers: ClinVar variation 1324788 (VCV001324788.15), dbSNP rs1446930968, ClinGen allele CA348787499.

ClinVar aggregate classification (germline): Pathogenic/Likely pathogenic. Review status: criteria provided, multiple submitters, no conflicts (2 of 4 stars). 4 submissions from 4 submitters: Pathogenic (1); Likely pathogenic (3). Last evaluated 2026-01-18.

Conditions:
Nemaline myopathy 2 (NEM2). Also called: Nemaline myopathy 2, autosomal recessive. Identifiers: MedGen C1850569, MONDO:0009725, OMIM 256030.
Arthrogryposis multiplex congenita 6. Identifiers: MedGen C5543431, MONDO:0030281, OMIM 619334.

Allele frequency attached by ClinVar (database versions not stated): gnomAD 0.00001 and 0.00003; gnomAD exomes below 0.00001; TOPMed 0.00002.
gnomAD v4.1: 8 of 1,606,586 alleles (0.0005%); highest among the groups gnomAD compares: African/African-American, 0.0027%; no homozygotes.

Submissions (4):

GeneDx
Classification: Pathogenic. Last evaluated: 2026-01-18. Review status: criteria provided, single submitter. Criteria: GeneDx Variant Classification Process June 2021. Collection method: clinical testing. Allele origin: germline.
Comment: Canonical splice site variant predicted to result in an in-frame loss of the adjacent exon in a gene for which loss of function is a known mechanism of disease; Deletions involving coding exons of this gene are a known mechanism of disease (HGMD); Not observed at significant frequency in large population cohorts (gnomAD); Has not been previously published as pathogenic or benign to our knowledge

Labcorp Genetics (formerly Invitae), Labcorp
Classification: Likely pathogenic for Nemaline myopathy 2. Last evaluated: 2023-10-29. Review status: criteria provided, single submitter. Criteria: Invitae Variant Classification Sherloc (09022015). Collection method: clinical testing. Allele origin: germline.
Comment: This sequence change affects a donor splice site in intron 128 of the NEB gene. It is expected to disrupt RNA splicing. Variants that disrupt the donor or acceptor splice site typically lead to a loss of protein function (PMID: 16199547), and loss-of-function variants in NEB are known to be pathogenic (PMID: 25205138). This variant is present in population databases (no rsID available, gnomAD 0.1%). This variant has not been reported in the literature in individuals affected with NEB-related conditions. ClinVar contains an entry for this variant (Variation ID: 1324788). Algorithms developed to predict the effect of sequence changes on RNA splicing suggest that this variant may disrupt the consensus splice site. In summary, the currently available evidence indicates that the variant is pathogenic, but additional data are needed to prove that conclusively. Therefore, this variant has been classified as Likely Pathogenic.

Baylor Genetics
Classification: Likely pathogenic for Arthrogryposis multiplex congenita 6. Last evaluated: 2023-06-08. Review status: criteria provided, single submitter. Criteria: ACMG Guidelines, 2015. Collection method: clinical testing. Allele origin: unknown.

Revvity Omics, Revvity
Classification: Likely pathogenic. Last evaluated: 2019-04-11. Review status: criteria provided, single submitter. Criteria: ACMG Guidelines, 2015. Collection method: clinical testing. Allele origin: germline.

Literature cited by the submitters: PubMed 16199547 (cited by Labcorp Genetics (formerly Invitae), Labcorp); PubMed 25205138 (cited by Labcorp Genetics (formerly Invitae), Labcorp).